The following is an entry in ClinVar:

ClinVar aggregate classification (germline): Uncertain significance. Review status: criteria provided, multiple submitters, no conflicts (2 of 4 stars). 2 submissions from 2 submitters: Uncertain significance (2). Last evaluated 2025-10-01.

Conditions:
Autosomal recessive limb-girdle muscular dystrophy type 2J (LGMDR10). Also called: MUSCULAR DYSTROPHY, LIMB-GIRDLE, AUTOSOMAL RECESSIVE 10; Limb-girdle muscular dystrophy, type 2J. Identifiers: Orphanet 140922, MedGen C1837342, MONDO:0012127, OMIM 608807.

Allele frequency attached by ClinVar (database versions not stated): gnomAD 0.00001; gnomAD exomes 0.00001; TOPMed 0.00001; ExAC 0.00002.
gnomAD v4.1: 13 of 1,613,452 alleles (0.00081%); highest among the groups gnomAD compares: East Asian, 0.0089%; no homozygotes.

Submissions (2):

CeGaT Center for Human Genetics Tuebingen
Classification: Uncertain significance. Last evaluated: 2025-10-01. Review status: criteria provided, single submitter. Criteria: CeGaT Center For Human Genetics Tuebingen Variant Classification Criteria Version 2. Collection method: clinical testing. Allele origin: germline. Affected: yes. Observed: 1 variant allele.
Comment: TTN: PM2, PM5

Laboratorio de Genetica e Diagnostico Molecular, Hospital Israelita Albert Einstein
Classification: Uncertain significance for Autosomal recessive limb-girdle muscular dystrophy type 2J. Last evaluated: 2022-04-01. Review status: criteria provided, single submitter. Criteria: ACMG Guidelines, 2015. Collection method: clinical testing. Allele origin: germline. Affected: yes. Observed: 1 variant allele.
Comment: ACMG classification criteria: PM2 moderated, BP4 supporting

NM_001267550.2(TTN):c.92755C>T (p.Arg30919Trp)

Genes: TTN (titin; minus strand), TTN-AS1 (TTN antisense RNA 1; plus strand). Cytogenetic location: 2q31.2.
Variant type: single nucleotide variant.
Coding change: c.92755C>T on transcript NM_001267550.2 (MANE Select); coding-DNA position 92755, C replaced by T.
Protein change: p.Arg30919Trp; replaces arginine 30919 with tryptophan.
Molecular consequence: missense variant.
Genome position (GRCh38, 1-based): chr2:178,548,871, G>A on the plus strand (C>T on the coding strand, the complement: TTN is on the minus strand). VCF-style: chr2-178548871-G-A. GRCh37 (hg19) VCF-style: chr2-179413598-G-A.
Other names: c.87832C>T, p.Arg29278Trp (NM_001256850.1); c.65560C>T, p.Arg21854Trp (NM_003319.4); c.85051C>T, p.Arg28351Trp (NM_133378.4); c.65935C>T, p.Arg21979Trp (NM_133432.3); c.66136C>T, p.Arg22046Trp (NM_133437.4); short protein forms R21854W, R21979W, R22046W, R28351W, R29278W, R30919W.
Identifiers: ClinVar variation 2431513 (VCV002431513.7), dbSNP rs758074386, ClinGen allele CA1987410.
Genomic context (GRCh38, chr2:178,548,871, plus strand): 5'-CTCTAACAACATGAGTCTGTTTGAAGTTTGCATCTATGTCTAACTCAGGAGCTGTTAACC[G>A]GTCAACTGCTTTAATTGTGCCAGTCACTTCACAGCTGTCGCCTTTTCCAGCACCATTGAT-3'
Protein context (NP_001254479.2, residues 30909-30929): EVTGTIKAVD[Arg30919Trp]LTAPELDIDA